The following is an entry in ClinVar:

NM_001040142.2(SCN2A):c.668G>A (p.Arg223Gln)

Gene: SCN2A (sodium voltage-gated channel alpha subunit 2; plus strand). Cytogenetic location: 2q24.3.
Variant type: single nucleotide variant.
Coding change: c.668G>A on transcript NM_001040142.2 (MANE Select); coding-DNA position 668, G replaced by A.
Protein change: p.Arg223Gln; replaces arginine 223 with glutamine.
Molecular consequence: missense variant. On other transcripts: intron variant (2).
Genome position (GRCh38, 1-based): chr2:165,309,414, G>A. VCF-style: chr2-165309414-G-A. GRCh37 (hg19) VCF-style: chr2-166165924-G-A.
Other names: c.668G>A, p.Arg223Gln (NM_001371247.1, NM_021007.3); c.697+158G>A (NM_001040143.2, NM_001371246.1); short protein forms R223Q.
Identifiers: ClinVar variation 12879 (VCV000012879.18), dbSNP rs121917752, ClinGen allele CA122772.
Genomic context (GRCh38, chr2:165,309,414, plus strand): 5'-ATGTGACAGAGTTTGTGGACCTGGGCAATGTCTCAGCGTTGAGAACATTCAGAGTTCTCC[G>A]AGCATTGAAAACAATTTCAGTCATTCCAGGTGAGAGCTAGGTTAAACACCGAGGCTGACT-3'
Protein context (NP_001035232.1, residues 213-233): VSALRTFRVL[Arg223Gln]ALKTISVIPG

ClinVar aggregate classification (germline): Pathogenic/Likely pathogenic. Review status: criteria provided, multiple submitters, no conflicts (2 of 4 stars). 6 submissions from 6 submitters: Pathogenic (2); Likely pathogenic (1). 3 of the submissions do not count toward it. Last evaluated 2025-07-01.

Conditions:
Benign familial infantile epilepsy. Also called: Benign familial infantile seizures. Identifiers: Orphanet 306, MedGen C5575231, MONDO:0017615.
Developmental and epileptic encephalopathy, 11 (DEE11). Also called: Early infantile epileptic encephalopathy 11. Identifiers: Orphanet 1934, MedGen C3150987, MONDO:0013388, OMIM 613721.
Seizures, benign familial infantile, 3 (BFIS3). Also called: CONVULSIONS, BENIGN FAMILIAL INFANTILE, 3; Familial neonatal seizures. Identifiers: Orphanet 140927, Orphanet 306, MedGen C1843140, MONDO:0011904, OMIM 607745.
Seizure. Also called: Seizures. Identifiers: MedGen C0036572, HP:0001250.

Allele frequency attached by ClinVar (database versions not stated): gnomAD exomes below 0.00001.
gnomAD v4.1: 2 of 1,613,656 alleles (0.00012%); highest among the groups gnomAD compares: Non-Finnish European, 0.000085%; no homozygotes.

Submissions (7):

GeneDx
Classification: Pathogenic. Last evaluated: 2025-07-01. Review status: criteria provided, single submitter. Criteria: GeneDx Variant Classification Process June 2021. Collection method: clinical testing. Allele origin: germline. Affected: yes.
Comment: Published functional studies demonstrate that the variant neutralizes voltage sensing and leads to channel hyperexcitability (PMID: 17021166); In silico analysis supports that this missense variant has a deleterious effect on protein structure/function; Not observed at significant frequency in large population cohorts (gnomAD); This variant is associated with the following publications: (PMID: 32090326, 24579881, 31558572, 2543931, 28717674, 23360469, 30287594, 29635106, 15048894, 29215089, 11326335, 10401694, 30144217, 17021166, 34489640)

Labcorp Genetics (formerly Invitae), Labcorp
Classification: Pathogenic for Seizures, benign familial infantile, 3; Developmental and epileptic encephalopathy, 11. Last evaluated: 2024-11-13. Review status: criteria provided, single submitter. Criteria: Invitae Variant Classification Sherloc (09022015). Collection method: clinical testing. Allele origin: germline.
Comment: This sequence change replaces arginine, which is basic and polar, with glutamine, which is neutral and polar, at codon 223 of the SCN2A protein (p.Arg223Gln). This variant is not present in population databases (gnomAD no frequency). This missense change has been observed in individuals with benign familial neonatal-infantile seizures (PMID: 15048894, 23360469, 29215089). It has also been observed to segregate with disease in related individuals. ClinVar contains an entry for this variant (Variation ID: 12879). Invitae Evidence Modeling of protein sequence and biophysical properties (such as structural, functional, and spatial information, amino acid conservation, physicochemical variation, residue mobility, and thermodynamic stability) indicates that this missense variant is expected to disrupt SCN2A protein function with a positive predictive value of 95%. Experimental studies have shown that this missense change affects SCN2A function (PMID: 17021166). For these reasons, this variant has been classified as Pathogenic.

Institute of Human Genetics, University of Leipzig Medical Center
Classification: Likely pathogenic for Developmental and epileptic encephalopathy, 11. Last evaluated: 2019-08-16. Review status: criteria provided, single submitter. Criteria: ACMG Guidelines, 2015. Collection method: clinical testing. Allele origin: germline. Affected: yes. Observed: 1 variant allele.

Neurology Department, Shenzhen Children's Hospital
Classification: Pathogenic for Benign familial infantile epilepsy. Last evaluated: 2022-02-16. Review status: no assertion criteria provided. Collection method: clinical testing. Allele origin: paternal. Affected: yes. Not counted in ClinVar's aggregate classification.

OMIM
Classification: Pathogenic for SEIZURES, BENIGN FAMILIAL INFANTILE, 3. Last evaluated: 2004-04-01. Review status: no assertion criteria provided. Collection method: literature only. Allele origin: germline. Not counted in ClinVar's aggregate classification.

Channelopathy-Associated Epilepsy Research Center
No classification provided (evidence only). Condition: Complex neurodevelopmental disorder. Review status: no classification provided. Collection method: literature only. Allele origin: not applicable. Functional consequence: Normal peak current, Normal slope of activation, Normal slope of fast inactivation, Normal rate of recovery from fast inactivation, Mild hyperpolarizing shift of voltage dependence of activation, Mild depolarizing shift of voltage dependence of fast inactivation, Increase of subthreshold current, Overall gain-of-function. Not counted in ClinVar's aggregate classification.
ClinVar note: "not provided" was previously submitted as the classification for the variant. However, the classification appeared to be based only on an observation of functional data so it was converted to no classification on 2025-07-30.

Diagnostic Laboratory, Strasbourg University Hospital
Classification: Likely pathogenic for Seizure. Review status: no assertion criteria provided. Collection method: clinical testing. Allele origin: maternal. Affected: yes. Observed: 1 heterozygote. Not counted in ClinVar's aggregate classification.

Literature cited by the submitters: PubMed 15048894 (cited by Labcorp Genetics (formerly Invitae), Labcorp and OMIM); PubMed 23360469 (cited by Labcorp Genetics (formerly Invitae), Labcorp); PubMed 29215089 (cited by Labcorp Genetics (formerly Invitae), Labcorp); PubMed 17021166 (cited by Labcorp Genetics (formerly Invitae), Labcorp and Channelopathy-Associated Epilepsy Research Center); PubMed 11326335 (cited by OMIM).